The following is an entry in ClinVar:

NM_003002.4(SDHD):c.39C>T (p.Ala13=)

Genes: SDHD (succinate dehydrogenase complex subunit D; plus strand), LOC126861339 (BRD4-independent group 4 enhancer GRCh37_chr11:111957035-111958234; plus strand). Cytogenetic location: 11q23.1.
Variant type: single nucleotide variant.
Coding change: c.39C>T on transcript NM_003002.4 (MANE Select); coding-DNA position 39, C replaced by T.
Protein change: p.Ala13=; no amino-acid change (alanine 13 retained).
Molecular consequence: synonymous variant. On other transcripts: non-coding transcript variant (1).
Genome position (GRCh38, 1-based): chr11:112,086,946, C>T. VCF-style: chr11-112086946-C-T. GRCh37 (hg19) VCF-style: chr11-111957670-C-T.
Other names: c.39C>T, p.Ala13= (NM_001276503.2, NM_001276504.2, NM_001276506.2).
Identifiers: ClinVar variation 755556 (VCV000755556.18), dbSNP rs1566690237, ClinGen allele CA476789157.

ClinVar aggregate classification (germline): Benign/Likely benign. Review status: criteria provided, multiple submitters, no conflicts (2 of 4 stars). 6 submissions from 6 submitters: Benign (1); Likely benign (5). Last evaluated 2025-09-15.

Conditions:
SDHD-related disorder. Also called: SDHD-related condition.
Cowden syndrome 3 (CWS3). Identifiers: Orphanet 201, MedGen CN166604, MONDO:0014045.
Paragangliomas with sensorineural hearing loss. Identifiers: MedGen C1868633.
Pheochromocytoma. Also called: MAX-Related Hereditary Paraganglioma-Pheochromocytoma Syndrome. Identifiers: Orphanet 29072, MedGen C0031511, MONDO:0008233, OMIM 171300, HP:0002666.
Carney-Stratakis syndrome. Also called: PARAGANGLIOMA AND GASTROINTESTINAL STROMAL TUMOR. Identifiers: Orphanet 97286, MedGen C1847319, MONDO:0011740, OMIM 606864.
Hereditary cancer-predisposing syndrome. Also called: Hereditary neoplastic syndrome; Neoplastic Syndromes, Hereditary; Hereditary Cancer Syndrome; Tumor predisposition. Identifiers: Orphanet 140162, MedGen C0027672, MeSH D009386, MONDO:0015356.
Pheochromocytoma/paraganglioma syndrome 1. Also called: Paragangliomas 1; PARAGANGLIOMATA; SDHD-Related Hereditary Paraganglioma-Pheochromocytoma Syndrome; PARAGANGLIOMAS, FAMILIAL NONCHROMAFFIN, 1; PGL 1; Paragangliomas familial 1. Identifiers: Orphanet 29072, MedGen C3494181, MONDO:0008192, OMIM 168000.
Hereditary pheochromocytoma and paraganglioma. Also called: Hereditary pheochromocytoma-paraganglioma; Hereditary Paraganglioma-Pheochromocytoma Syndromes; Hereditary paragangliomas and pheochromocytomas. Identifiers: Orphanet 29072, MedGen C4274332, MONDO:0017366.

Allele frequency attached by ClinVar (database versions not stated): gnomAD exomes below 0.00001.
gnomAD v4.1: 2 of 1,614,130 alleles (0.00012%); highest among the groups gnomAD compares: Non-Finnish European, 0.00017%; no homozygotes.

Submissions (6):

PreventionGenetics, part of Exact Sciences
Classification: Likely benign for SDHD-related condition. Last evaluated: 2025-09-15. Review status: criteria provided, single submitter. Criteria: ACMG Guidelines, 2015. Collection method: clinical testing. Allele origin: germline.
Comment: This variant is classified as likely benign based on ACMG/AMP sequence variant interpretation guidelines (Richards et al. 2015 PMID: 25741868, with internal and published modifications).

Labcorp Genetics (formerly Invitae), Labcorp
Classification: Likely benign for Carney-Stratakis syndrome; Paragangliomas with sensorineural hearing loss; Pheochromocytoma; Cowden syndrome 3. Last evaluated: 2025-07-30. Review status: criteria provided, single submitter. Criteria: Invitae Variant Classification Sherloc (09022015). Collection method: clinical testing. Allele origin: germline.

Myriad Genetics, Inc.
Classification: Benign for Pheochromocytoma/paraganglioma syndrome 1. Last evaluated: 2025-03-17. Review status: criteria provided, single submitter. Criteria: Myriad Autosomal Dominant, Autosomal Recessive and X-Linked Classification Criteria (2023). Collection method: clinical testing. Allele origin: unknown.
Comment: This variant is considered benign. This variant is a silent/synonymous amino acid change and it is not expected to impact splicing.

All of Us Research Program, National Institutes of Health
Classification: Likely benign for Hereditary pheochromocytoma and paraganglioma. Last evaluated: 2023-06-26. Review status: criteria provided, single submitter. Criteria: ACMG Guidelines, 2015. Collection method: clinical testing. Allele origin: germline. Inheritance: Autosomal dominant inheritance. Observed: 2 variant alleles, 2 heterozygotes.
Comment: This study involves interpretation of variants in research participants for the purpose of population health screening. Participant phenotype was not available at the time of variant classification. Additional details can be found in publication PMID: 35346344, PMCID: PMC8962531

Color Diagnostics, LLC DBA Color Health
Classification: Likely benign for Hereditary pheochromocytoma and paraganglioma. Last evaluated: 2023-06-08. Review status: criteria provided, single submitter. Criteria: ACMG Guidelines, 2015. Collection method: clinical testing. Allele origin: germline.

Ambry Genetics
Classification: Likely benign for Hereditary cancer-predisposing syndrome. Last evaluated: 2020-03-04. Review status: criteria provided, single submitter. Criteria: Ambry Variant Classification Scheme 2023. Collection method: clinical testing. Allele origin: germline.